The following is an entry in ClinVar:

NM_004380.3(CREBBP):c.2483C>T (p.Ala828Val)

Gene: CREBBP (CREB binding protein; minus strand). Cytogenetic location: 16p13.3.
Variant type: single nucleotide variant.
Coding change: c.2483C>T on transcript NM_004380.3 (MANE Select); coding-DNA position 2483, C replaced by T.
Protein change: p.Ala828Val; replaces alanine 828 with valine.
Molecular consequence: missense variant.
Genome position (GRCh38, 1-based): chr16:3,770,967, G>A on the plus strand (C>T on the coding strand, the complement: CREBBP is on the minus strand). VCF-style: chr16-3770967-G-A. GRCh37 (hg19) VCF-style: chr16-3820968-G-A.
Other names: c.2369C>T, p.Ala790Val (NM_001079846.1); short protein forms A790V, A828V.
Identifiers: ClinVar variation 1305250 (VCV001305250.3), dbSNP rs1468307928, ClinGen allele CA394551968.

ClinVar aggregate classification (germline): Uncertain significance. Review status: criteria provided, multiple submitters, no conflicts (2 of 4 stars). 2 submissions from 2 submitters: Uncertain significance (2). Last evaluated 2024-04-09.

Conditions:
Inborn genetic diseases. Identifiers: MedGen C0950123, MeSH D030342.

Allele frequency attached by ClinVar (database versions not stated): gnomAD 0.00001.
gnomAD v4.1: 1 of 1,613,426 alleles (0.000062%); highest among the groups gnomAD compares: East Asian, 0.0022%; no homozygotes.

Submissions (2):

Ambry Genetics
Classification: Uncertain significance for Inborn genetic diseases. Last evaluated: 2024-04-09. Review status: criteria provided, single submitter. Criteria: Ambry Variant Classification Scheme 2023. Collection method: clinical testing. Allele origin: germline.

GeneDx
Classification: Uncertain significance. Last evaluated: 2019-04-30. Review status: criteria provided, single submitter. Criteria: GeneDx Variant Classification Process June 2021. Collection method: clinical testing. Allele origin: germline. Affected: yes.
Comment: In silico analysis, which includes protein predictors and evolutionary conservation, supports that this variant does not alter protein structure/function; Has not been previously published as pathogenic or benign to our knowledge